The following is an entry in ClinVar:

NM_000553.6(WRN):c.2114_2119del (p.703TA[1])

Gene: WRN (WRN RecQ like helicase; plus strand). Cytogenetic location: 8p12.
Variant type: Deletion.
Coding change: c.2114_2119del on transcript NM_000553.6 (MANE Select); coding-DNA positions 2114 to 2119, 6 bases deleted (CTGCAA; older notation c.2114_2119delCTGCAA).
Protein change: p.703TA[1].
Molecular consequence: inframe deletion.
Genome position (GRCh38, 1-based): chr8:31,111,640-31,111,645, CTGCAA deleted; deleting any 6 consecutive bases within chr8:31,111,639-31,111,645 gives the same sequence; the c. name uses the placement nearest the transcript's 3' end. VCF-style (leftmost placement, unchanged base first): chr8-31111638-TACTGCA-T. GRCh37 (hg19) VCF-style: chr8-30969154-TACTGCA-T.
Identifiers: ClinVar variation 1391646 (VCV001391646.8), dbSNP rs2130282936, ClinGen allele CA2573142656.

ClinVar aggregate classification (germline): Uncertain significance (1 of 4 stars; one submission).

Conditions:
Werner syndrome (WRN). Identifiers: Orphanet 902, MedGen C0043119, MONDO:0010196, OMIM 277700.

Submission:

Labcorp Genetics (formerly Invitae), Labcorp
Classification: Uncertain significance for Werner syndrome. Last evaluated: 2024-12-02. Review status: criteria provided, single submitter. Criteria: Invitae Variant Classification Sherloc (09022015). Collection method: clinical testing. Allele origin: germline.
Comment: This variant, c.2114_2119del, results in the deletion of 2 amino acid(s) of the WRN protein (p.Thr705_Ala706del), but otherwise preserves the integrity of the reading frame. This variant is not present in population databases (gnomAD no frequency). This variant has not been reported in the literature in individuals affected with WRN-related conditions. ClinVar contains an entry for this variant (Variation ID: 1391646). Experimental studies and prediction algorithms are not available or were not evaluated, and the functional significance of this variant is currently unknown. In summary, the available evidence is currently insufficient to determine the role of this variant in disease. Therefore, it has been classified as a Variant of Uncertain Significance.